The following is an entry in ClinVar:

ClinVar aggregate classification (germline): Uncertain significance (1 of 4 stars; one submission).

Conditions:
Hypertrophic cardiomyopathy. Also called: HYPERTROPHIC MYOCARDIOPATHY. Identifiers: Orphanet 217569, MedGen C0007194, MeSH D002312, MONDO:0005045, HP:0001639.

Allele frequency attached by ClinVar (database versions not stated): gnomAD 0.00003 and 0.00004; ExAC 0.00005; gnomAD exomes 0.00005; TOPMed 0.00005.
gnomAD v4.1: 84 of 1,613,742 alleles (0.0052%); highest among the groups gnomAD compares: South Asian, 0.013%; 1 homozygote.

Submission:

Labcorp Genetics (formerly Invitae), Labcorp
Classification: Uncertain significance for Hypertrophic cardiomyopathy. Last evaluated: 2025-10-21. Review status: criteria provided, single submitter. Criteria: Invitae Variant Classification Sherloc (09022015). Collection method: clinical testing. Allele origin: germline.
Comment: This sequence change replaces threonine, which is neutral and polar, with methionine, which is neutral and non-polar, at codon 287 of the MYOM1 protein (p.Thr287Met). This variant is present in population databases (rs558965614, gnomAD 0.02%). This variant has not been reported in the literature in individuals affected with MYOM1-related conditions. ClinVar contains an entry for this variant (Variation ID: 953444). Invitae Evidence Modeling of protein sequence and biophysical properties (such as structural, functional, and spatial information, amino acid conservation, physicochemical variation, residue mobility, and thermodynamic stability) has been performed for this missense variant. However, the output from this modeling did not meet the statistical confidence thresholds required to predict the impact of this variant on MYOM1 protein function. In summary, the available evidence is currently insufficient to determine the role of this variant in disease. Therefore, it has been classified as a Variant of Uncertain Significance.

NM_003803.4(MYOM1):c.860C>T (p.Thr287Met)

Gene: MYOM1 (myomesin 1; minus strand). Cytogenetic location: 18p11.31.
Variant type: single nucleotide variant.
Coding change: c.860C>T on transcript NM_003803.4 (MANE Select); coding-DNA position 860, C replaced by T.
Protein change: p.Thr287Met; replaces threonine 287 with methionine.
Molecular consequence: missense variant.
Genome position (GRCh38, 1-based): chr18:3,187,549, G>A on the plus strand (C>T on the coding strand, the complement: MYOM1 is on the minus strand). VCF-style: chr18-3187549-G-A. GRCh37 (hg19) VCF-style: chr18-3187547-G-A.
Other names: c.860C>T, p.Thr287Met (NM_019856.2); short protein forms T287M.
Identifiers: ClinVar variation 953444 (VCV000953444.9), dbSNP rs558965614, ClinGen allele CA8875139.